The following is an entry in ClinVar:

ClinVar aggregate classification (germline): Uncertain significance. Review status: criteria provided, multiple submitters, no conflicts (2 of 4 stars). 4 submissions from 4 submitters: Uncertain significance (4). Last evaluated 2026-03-27.

Conditions:
Arrhythmogenic cardiomyopathy with wooly hair and keratoderma. Also called: Carvajal syndrome; Dilated cardiomyopathy with woolly hair and keratoderma; Arrhythmogenic cardiomyopathy with woolly hair and keratoderma; PALMOPLANTAR KERATODERMA WITH LEFT VENTRICULAR CARDIOMYOPATHY AND WOOLLY HAIR. Identifiers: Orphanet 65282, MedGen C1854063, MONDO:0011581, OMIM 605676.
Arrhythmogenic right ventricular dysplasia 8 (ARVD8). Also called: ARRHYTHMOGENIC RIGHT VENTRICULAR DYSPLASIA, FAMILIAL, 8; Arrhythmogenic Right Ventricular Dysplasia/Cardiomyopathy 8; ARRHYTHMOGENIC RIGHT VENTRICULAR CARDIOMYOPATHY 8. Identifiers: MedGen C1843896, MONDO:0011831, OMIM 607450.
Cardiovascular phenotype. Identifiers: MedGen CN230736.

Allele frequency attached by ClinVar (database versions not stated): gnomAD exomes 0.00001; TOPMed below 0.00001; gnomAD 0.00001.
gnomAD v4.1: 10 of 1,613,786 alleles (0.00062%); highest among the groups gnomAD compares: Non-Finnish European, 0.00076%; no homozygotes.

Submissions (4):

GeneDx
Classification: Uncertain significance. Last evaluated: 2026-03-27. Review status: criteria provided, single submitter. Criteria: GeneDx Variant Classification Process June 2021. Collection method: clinical testing. Allele origin: germline.
Comment: Not observed at significant frequency in large population cohorts (gnomAD); In silico analysis supports that this missense variant has a deleterious effect on protein structure/function; Has not been previously published as pathogenic or benign to our knowledge

All of Us Research Program, National Institutes of Health
Classification: Uncertain significance for Arrhythmogenic cardiomyopathy with wooly hair and keratoderma. Last evaluated: 2022-11-23. Review status: criteria provided, single submitter. Criteria: ACMG Guidelines, 2015. Collection method: clinical testing. Allele origin: germline. Inheritance: Autosomal dominant inheritance. Observed: 1 variant allele, 1 heterozygote.
Comment: This study involves interpretation of variants in research participants for the purpose of population health screening. Participant phenotype was not available at the time of variant classification. Additional details can be found in publication PMID: 35346344, PMCID: PMC8962531

Labcorp Genetics (formerly Invitae), Labcorp
Classification: Uncertain significance for Arrhythmogenic cardiomyopathy with wooly hair and keratoderma; Arrhythmogenic right ventricular dysplasia 8. Last evaluated: 2022-01-11. Review status: criteria provided, single submitter. Criteria: Invitae Variant Classification Sherloc (09022015). Collection method: clinical testing. Allele origin: germline.
Comment: In summary, the available evidence is currently insufficient to determine the role of this variant in disease. Therefore, it has been classified as a Variant of Uncertain Significance. Algorithms developed to predict the effect of missense changes on protein structure and function are either unavailable or do not agree on the potential impact of this missense change (SIFT: "Deleterious"; PolyPhen-2: "Benign"; Align-GVGD: "Class C15"). Algorithms developed to predict the effect of sequence changes on RNA splicing suggest that this variant may create or strengthen a splice site. This variant has not been reported in the literature in individuals affected with DSP-related conditions. This sequence change replaces arginine, which is basic and polar, with glycine, which is neutral and non-polar, at codon 1009 of the DSP protein (p.Arg1009Gly). This variant is not present in population databases (gnomAD no frequency). ClinVar contains an entry for this variant (Variation ID: 518472).

Ambry Genetics
Classification: Uncertain significance for Cardiovascular phenotype. Last evaluated: 2016-11-04. Review status: criteria provided, single submitter. Criteria: Ambry Variant Classification Scheme 2023. Collection method: clinical testing. Allele origin: germline.
Comment: The p.R1009G variant (also known as c.3025A>G), located in coding exon 22 of the DSP gene, results from an A to G substitution at nucleotide position 3025. The arginine at codon 1009 is replaced by glycine, an amino acid with dissimilar properties. This variant was not reported in population based cohorts in the following databases: ExAC, Database of Single Nucleotide Polymorphisms (dbSNP), NHLBI Exome Sequencing Project (ESP), and 1000 Genomes Project. In the ESP, this variant was not observed in 6503 samples (13006 alleles) with coverage at this position. This amino acid position is highly conserved in available vertebrate species. In addition, this alteration is predicted to be deleterious by in silico analysis. Since supporting evidence is limited at this time, the clinical significance of this alteration remains unclear.

NM_004415.4(DSP):c.3025A>G (p.Arg1009Gly)

Gene: DSP (desmoplakin; plus strand). Cytogenetic location: 6p24.3.
Variant type: single nucleotide variant.
Coding change: c.3025A>G on transcript NM_004415.4 (MANE Select); coding-DNA position 3025, A replaced by G.
Protein change: p.Arg1009Gly; replaces arginine 1009 with glycine.
Molecular consequence: missense variant.
Genome position (GRCh38, 1-based): chr6:7,578,503, A>G. VCF-style: chr6-7578503-A-G. GRCh37 (hg19) VCF-style: chr6-7578736-A-G.
Other names: c.3025A>G (LRG_423t1); c.3025A>G, p.Arg1009Gly (NM_001008844.3, NM_001319034.2); short protein forms R1009G.
Identifiers: ClinVar variation 518472 (VCV000518472.14), dbSNP rs1413346143, ClinGen allele CA362682665.